The following is an entry in ClinVar:

ClinVar aggregate classification (germline): Pathogenic (1 of 4 stars; one submission).

Conditions:
Mendelian susceptibility to mycobacterial diseases due to complete IL12RB1 deficiency. Also called: Immunodeficiency 30; IL12RB1 DEFICIENCY. Identifiers: Orphanet 319552, MedGen C4013949, MONDO:0013955, OMIM 614891.

Submission:

Labcorp Genetics (formerly Invitae), Labcorp
Classification: Pathogenic for Mendelian susceptibility to mycobacterial diseases due to complete IL12RB1 deficiency. Last evaluated: 2023-10-26. Review status: criteria provided, single submitter. Criteria: Invitae Variant Classification Sherloc (09022015). Collection method: clinical testing. Allele origin: germline.
Comment: This sequence change creates a premature translational stop signal (p.Ser463Cysfs*25) in the IL12RB1 gene. It is expected to result in an absent or disrupted protein product. Loss-of-function variants in IL12RB1 are known to be pathogenic (PMID: 9603733, 12591909). This variant is not present in population databases (gnomAD no frequency). This premature translational stop signal has been observed in individual(s) with IL12RB1-related conditions (PMID: 21057261). For these reasons, this variant has been classified as Pathogenic.

Literature cited by the submitters: PubMed 9603733; PubMed 12591909; PubMed 21057261.

NM_005535.3(IL12RB1):c.1386_1387del (p.Ser463fs)

Gene: IL12RB1 (interleukin 12 receptor subunit beta 1; minus strand). Cytogenetic location: 19p13.11.
Variant type: Microsatellite.
Coding change: c.1386_1387del on transcript NM_005535.3 (MANE Select); coding-DNA positions 1386 to 1387, 2 bases deleted (GT; older notation c.1386_1387delGT).
Protein change: p.Ser463fs; shifts the reading frame from serine 463.
Molecular consequence: frameshift variant.
Genome position (GRCh38, 1-based): chr19:18,066,638-18,066,639, AC deleted on the plus strand (GT on the coding strand, the reverse complement: IL12RB1 is on the minus strand); deleting any 2 consecutive bases within chr19:18,066,638-18,066,642 gives the same sequence; the c. name uses the placement nearest the transcript's 3' end. VCF-style (leftmost placement, unchanged base first): chr19-18066637-GAC-G. GRCh37 (hg19) VCF-style: chr19-18177447-GAC-G.
Other names: c.1386_1387del, p.Ser463fs (NM_001290023.2); c.1503_1504TG[1], p.Ser503Cysfs (NM_001290024.2); short protein forms S463fs, S503fs.
Identifiers: ClinVar variation 2736848 (VCV002736848.3), dbSNP rs2515003359, ClinGen allele CA2576772324.